The following is an entry in ClinVar:

NM_001041.4(SI):c.2736G>A (p.Gln912=)

Gene: SI (sucrase-isomaltase; minus strand). Cytogenetic location: 3q26.1.
Variant type: single nucleotide variant.
Coding change: c.2736G>A on transcript NM_001041.4 (MANE Select); coding-DNA position 2736, G replaced by A.
Protein change: p.Gln912=; no amino-acid change (glutamine 912 retained).
Molecular consequence: synonymous variant.
Genome position (GRCh38, 1-based): chr3:165,032,522, C>T on the plus strand (G>A on the coding strand, the complement: SI is on the minus strand). VCF-style: chr3-165032522-C-T. GRCh37 (hg19) VCF-style: chr3-164750310-C-T.
Identifiers: ClinVar variation 1921945 (VCV001921945.4), dbSNP rs746565689, ClinGen allele CA86527944.

ClinVar aggregate classification (germline): Uncertain significance (1 of 4 stars; one submission).

Submission:

Labcorp Genetics (formerly Invitae), Labcorp
Classification: Uncertain significance. Last evaluated: 2022-07-20. Review status: criteria provided, single submitter. Criteria: Invitae Variant Classification Sherloc (09022015). Collection method: clinical testing. Allele origin: germline.
Comment: In summary, the available evidence is currently insufficient to determine the role of this variant in disease. Therefore, it has been classified as a Variant of Uncertain Significance. Variants that disrupt the consensus splice site are a relatively common cause of aberrant splicing (PMID: 17576681, 9536098). Algorithms developed to predict the effect of sequence changes on RNA splicing suggest that this variant may disrupt the consensus splice site. This variant has not been reported in the literature in individuals affected with SI-related conditions. The frequency data for this variant in the population databases is considered unreliable, as metrics indicate poor data quality at this position in the gnomAD database. This sequence change affects codon 912 of the SI mRNA. It is a 'silent' change, meaning that it does not change the encoded amino acid sequence of the SI protein. This variant also falls at the last nucleotide of exon 24, which is part of the consensus splice site for this exon.

Literature cited by the submitters: PubMed 17576681; PubMed 9536098.